The following is an entry in ClinVar:

NM_020845.3(PITPNM2):c.2404+741G>A

Gene: PITPNM2 (phosphatidylinositol transfer protein membrane associated 2; minus strand). Cytogenetic location: 12q24.31.
Variant type: single nucleotide variant.
Coding change: c.2404+741G>A on transcript NM_020845.3 (MANE Select); 741 bases into the intron after coding-DNA position 2404, G replaced by A.
Molecular consequence: intron variant. On other transcripts: missense variant (3).
Genome position (GRCh38, 1-based): chr12:122,991,758, C>T on the plus strand (G>A on the coding strand, the complement: PITPNM2 is on the minus strand). VCF-style: chr12-122991758-C-T. GRCh37 (hg19) VCF-style: chr12-123476305-C-T.
Other names: c.2545G>A, p.Glu849Lys (NM_001300801.2, NM_001384660.1, NM_001384668.1); c.2404+741G>A (NM_001384661.1, NM_001384663.1); c.2353+741G>A (NM_001384664.1); c.2234-1049G>A (NM_001384662.1); short protein forms E849K.
Identifiers: ClinVar variation 2643508 (VCV002643508.24), dbSNP rs762225537, ClinGen allele CA6854866.

ClinVar aggregate classification (germline): Uncertain significance (1 of 4 stars; one submission).

Allele frequency attached by ClinVar (database versions not stated): gnomAD 0.00002; TOPMed 0.00002; ExAC 0.00003.
gnomAD v4.1: 17 of 1,297,144 alleles (0.0013%); highest among the groups gnomAD compares: African/African-American, 0.009%; no homozygotes.

Submission:

CeGaT Center for Human Genetics Tuebingen
Classification: Uncertain significance. Last evaluated: 2023-01-01. Review status: criteria provided, single submitter. Criteria: CeGaT Center For Human Genetics Tuebingen Variant Classification Criteria Version 2. Collection method: clinical testing. Allele origin: germline. Affected: yes. Observed: 1 variant allele.
Comment: PITPNM2: PM2, PP2, PS2:Supporting, BP4